The following is an entry in ClinVar:

ClinVar aggregate classification (germline): Uncertain significance. Review status: criteria provided, multiple submitters, no conflicts (2 of 4 stars). 2 submissions from 2 submitters: Uncertain significance (2). Last evaluated 2025-01-07.

Conditions:
Hereditary cancer-predisposing syndrome. Also called: Hereditary neoplastic syndrome; Neoplastic Syndromes, Hereditary; Tumor predisposition; Hereditary Cancer Syndrome. Identifiers: Orphanet 140162, MedGen C0027672, MeSH D009386, MONDO:0015356.

Allele frequency attached by ClinVar (database versions not stated): gnomAD exomes below 0.00001; gnomAD 0.00003; TOPMed 0.00003; ESP Exome Variant Server 0.00008.
gnomAD v4.1: 5 of 1,613,694 alleles (0.00031%); highest among the groups gnomAD compares: African/African-American, 0.0067%; no homozygotes.

Submissions (2):

Ambry Genetics
Classification: Uncertain significance for Hereditary cancer-predisposing syndrome. Last evaluated: 2025-01-07. Review status: criteria provided, single submitter. Criteria: Ambry Variant Classification Scheme 2023. Collection method: clinical testing. Allele origin: germline.
Comment: The p.E13D variant (also known as c.39G>C), located in coding exon 1 of the XRCC2 gene, results from a G to C substitution at nucleotide position 39. The amino acid change results in glutamic acid to aspartic acid at codon 13, an amino acid with highly similar properties. However, this change occurs in the last base pair of coding exon 1, which makes it likely to have some effect on normal mRNA splicing. This variant was identified in a cohort of 3,579 African males diagnosed with prostate cancer who underwent multi-gene panel testing of 19 DNA repair and cancer predisposition genes (Matejcic M et al. JCO Precis Oncol, 2020 Jan;4:32-43). This nucleotide position is highly conserved in available vertebrate species. In silico splice site analysis predicts that this alteration may result in the creation or strengthening of a novel splice donor site. This amino acid position is highly conserved in available vertebrate species. In addition, as a missense substitution this is predicted to be tolerated by in silico analysis. Based on the available evidence, the clinical significance of this variant remains unclear.

Labcorp Genetics (formerly Invitae), Labcorp
Classification: Uncertain significance. Last evaluated: 2018-04-02. Review status: criteria provided, single submitter. Criteria: Invitae Variant Classification Sherloc (09022015). Collection method: clinical testing. Allele origin: germline.
Comment: This sequence change replaces glutamic acid with aspartic acid at codon 13 of the XRCC2 protein (p.Glu13Asp). The glutamic acid residue is moderately conserved and there is a small physicochemical difference between glutamic acid and aspartic acid. It also falls at the last nucleotide of exon 1 of the XRCC2 coding sequence, which is part of the consensus splice site for this exon. This variant is present in population databases (rs373877121, ExAC 0.03%) but has not been reported in the literature in individuals with an XRCC2-related disease. Algorithms developed to predict the effect of missense changes on protein structure and function (SIFT, PolyPhen-2, Align-GVGD) all suggest that this variant is likely to be tolerated, but these predictions have not been confirmed by published functional studies. Nucleotide substitutions within the consensus splice site are relatively common causes of aberrant splicing (PMID: 17576681, 9536098). Algorithms developed to predict the effect of nucleotide changes on RNA splicing suggest that this variant may alter RNA splicing, but this prediction has not been confirmed by published transcriptional studies. In summary, this variant is a rare missense change with uncertain impact on mRNA splicing and protein function. There is no indication that it causes disease, but the available evidence is currently insufficient to prove that conclusively. Therefore, it has been classified as a Variant of Uncertain Significance.

Literature cited by the submitters: PubMed 32832836 (cited by Ambry Genetics); PubMed 17576681 (cited by Labcorp Genetics (formerly Invitae), Labcorp); PubMed 9536098 (cited by Labcorp Genetics (formerly Invitae), Labcorp).

NM_005431.2(XRCC2):c.39G>C (p.Glu13Asp)

Gene: XRCC2 (X-ray repair cross complementing 2; minus strand). Cytogenetic location: 7q36.1.
Variant type: single nucleotide variant.
Coding change: c.39G>C on transcript NM_005431.2 (MANE Select); coding-DNA position 39, G replaced by C.
Protein change: p.Glu13Asp; replaces glutamic acid 13 with aspartic acid.
Molecular consequence: missense variant.
Genome position (GRCh38, 1-based): chr7:152,676,041, C>G on the plus strand (G>C on the coding strand, the complement: XRCC2 is on the minus strand). VCF-style: chr7-152676041-C-G. GRCh37 (hg19) VCF-style: chr7-152373126-C-G.
Other names: short protein forms E13D.
Identifiers: ClinVar variation 1034722 (VCV001034722.12), dbSNP rs373877121, ClinGen allele CA4582444.